The following is an entry in ClinVar:

NM_003060.4(SLC22A5):c.865C>T (p.Arg289Ter)

Gene: SLC22A5 (solute carrier family 22 member 5; plus strand). Cytogenetic location: 5q31.1.
Variant type: single nucleotide variant.
Coding change: c.865C>T on transcript NM_003060.4 (MANE Select); coding-DNA position 865, C replaced by T.
Protein change: p.Arg289Ter; replaces arginine 289 with a stop codon.
Molecular consequence: nonsense.
Genome position (GRCh38, 1-based): chr5:132,387,065, C>T. VCF-style: chr5-132387065-C-T. GRCh37 (hg19) VCF-style: chr5-131722757-C-T.
Other names: c.937C>T, p.Arg313Ter (NM_001308122.2); short protein forms R289*, R313*.
Identifiers: ClinVar variation 25404 (VCV000025404.25), dbSNP rs386134212, ClinGen allele CA312948.

ClinVar aggregate classification (germline): Pathogenic. Review status: criteria provided, multiple submitters, no conflicts (2 of 4 stars). 8 submissions from 8 submitters: Pathogenic (7). 1 of the submissions does not count toward it. Last evaluated 2026-01-26.

Conditions:
SLC22A5-related disorder. Also called: SLC22A5-related condition.
Carnitine deficiency. Identifiers: MedGen C1142132.
Renal carnitine transport defect (CDSP). Also called: Primary carnitine deficiency; Carnitine transporter deficiency; Carnitine Deficiency, Systemic; Systemic primary carnitine deficiency disease; Systemic primary carnitine deficiency; CARNITINE DEFICIENCY, SYSTEMIC, DUE TO DEFECT IN RENAL REABSORPTION OF CARNITINE. Identifiers: Orphanet 158, MedGen C0342788, MONDO:0008919, OMIM 212140.

Allele frequency attached by ClinVar (database versions not stated): gnomAD exomes 0.00002 and 0.00001; ExAC 0.00001.

Submissions (8):

Medical and Scientific Branch, Hong Kong Genome Institute
Classification: Pathogenic for Renal carnitine transport defect. Last evaluated: 2026-01-26. Review status: criteria provided, single submitter. Criteria: ACMG Guidelines, 2015. Collection method: clinical testing. Allele origin: maternal. Affected: yes.

Natera, Inc.
Classification: Pathogenic for Carnitine deficiency. Last evaluated: 2025-10-15. Review status: criteria provided, single submitter. Criteria: Natera Variant Classification Schema (03/2026). Collection method: clinical testing. Allele origin: germline.
Comment: The c.865C>T variant in SLC22A5 is a nonsense variant predicted to introduce a stop codon at amino acid 289. This variant is expected to result in nonsense mediated decay, truncation, or a dysfunctional protein product. This variant is rare in the general population with a frequency below the threshold expected for the associated phenotype(s). This variant has been observed in one or more individuals affected with the associated recessive disease, as either homozygous or compound heterozygous with a second variant (PMID: 28841266). Given the available evidence, this variant is classified as Pathogenic.

Labcorp Genetics (formerly Invitae), Labcorp
Classification: Pathogenic for Renal carnitine transport defect. Last evaluated: 2025-10-07. Review status: criteria provided, single submitter. Criteria: Invitae Variant Classification Sherloc (09022015). Collection method: clinical testing. Allele origin: germline.
Comment: This sequence change creates a premature translational stop signal (p.Arg289*) in the SLC22A5 gene. It is expected to result in an absent or disrupted protein product. Loss-of-function variants in SLC22A5 are known to be pathogenic (PMID: 9916797). This variant is present in population databases (rs386134212, gnomAD 0.006%). This premature translational stop signal has been observed in individuals with primary carnitine deficiency (PMID: 15714519, 25132046). ClinVar contains an entry for this variant (Variation ID: 25404). For these reasons, this variant has been classified as Pathogenic.

Blueprint Genetics
Classification: Pathogenic for SLC22A5-related disorders. Last evaluated: 2024-06-19. Review status: criteria provided, single submitter. Criteria: ACMG Guidelines, 2015. Collection method: clinical testing. Allele origin: germline. Affected: yes. Observed: 5 variant alleles.

Fulgent Genetics
Classification: Pathogenic for Renal carnitine transport defect. Last evaluated: 2024-02-22. Review status: criteria provided, single submitter. Criteria: ACMG Guidelines, 2015. Collection method: clinical testing. Allele origin: germline.

Genome-Nilou Lab
Classification: Pathogenic for Renal carnitine transport defect. Last evaluated: 2021-07-15. Review status: criteria provided, single submitter. Criteria: ACMG Guidelines, 2015. Collection method: clinical testing. Allele origin: germline. Affected: no.

Women's Health and Genetics/Laboratory Corporation of America, LabCorp
Classification: Pathogenic for Renal carnitine transport defect. Last evaluated: 2021-06-25. Review status: criteria provided, single submitter. Criteria: LabCorp Variant Classification Summary - May 2015. Collection method: clinical testing. Allele origin: germline.
Comment: Variant summary: SLC22A5 c.865C>T (p.Arg289X) results in a premature termination codon, predicted to cause a truncation of the encoded protein or absence of the protein due to nonsense mediated decay, which are commonly known mechanisms for disease. Truncations downstream of this position have been classified as pathogenic by our laboratory and in the HGMD database. The variant allele was found at a frequency of 1.6e-05 in 251492 control chromosomes. c.865C>T has been reported in the literature as a homozygous and compound heterozygous genotype in multiple individuals affected with Systemic Primary Carnitine Deficiency (example, Dobrowlski_2005, Kilic_2011, Han_2014, Frigeni_2017). These data indicate that the variant is very likely to be associated with disease. At least one publication reports experimental evidence evaluating an impact on protein function. The most pronounced variant effect results in <10% of normal carnitine transport activity in patient derived fibroblasts (example, Frigeni_2017). Three clinical diagnostic laboratories have submitted clinical-significance assessments for this variant to ClinVar after 2014 without evidence for independent evaluation. All laboratories classified the variant as pathogenic (n=3)/likely pathogenic (n=1). Based on the evidence outlined above, the variant was classified as pathogenic.

Counsyl
Classification: Likely pathogenic for Renal carnitine transport defect. Last evaluated: 2015-04-22. Review status: no assertion criteria provided. Collection method: clinical testing. Allele origin: unknown. Not counted in ClinVar's aggregate classification.

Literature cited by the submitters: PubMed 28841266 (cited by Natera, Inc. and Women's Health and Genetics/Laboratory Corporation of America, LabCorp); PubMed 9916797 (cited by Labcorp Genetics (formerly Invitae), Labcorp); PubMed 15714519 (cited by 3 submitters); PubMed 25132046 (cited by 3 submitters); PubMed 23430869 (cited by Women's Health and Genetics/Laboratory Corporation of America, LabCorp and Counsyl); PubMed 24746540 (cited by Counsyl).